The following is an entry in ClinVar:

ClinVar aggregate classification (germline): Uncertain significance (1 of 4 stars; one submission).

Conditions:
GNB4-related disorder. Also called: GNB4-related condition.

gnomAD v4.1: 4 of 1,613,816 alleles (0.00025%); highest among the groups gnomAD compares: African/African-American, 0.0053%; no homozygotes.

Submission:

PreventionGenetics, part of Exact Sciences
Classification: Uncertain significance for GNB4-related condition. Last evaluated: 2025-05-09. Review status: criteria provided, single submitter. Criteria: ACMG Guidelines, 2015. Collection method: clinical testing. Allele origin: germline.
Comment: The GNB4 c.975G>A variant is predicted to result in the amino acid substitution p.Met325Ile. To our knowledge, this variant has not been reported in the literature. This variant is reported in 0.023% of alleles in individuals of African descent in gnomAD. At this time, the clinical significance of this variant is uncertain due to the absence of conclusive functional and genetic evidence.

NM_021629.4(GNB4):c.975G>A (p.Met325Ile)

Gene: GNB4 (G protein subunit beta 4; minus strand). Cytogenetic location: 3q26.33.
Variant type: single nucleotide variant.
Coding change: c.975G>A on transcript NM_021629.4 (MANE Select); coding-DNA position 975, G replaced by A.
Protein change: p.Met325Ile; replaces methionine 325 with isoleucine.
Molecular consequence: missense variant.
Genome position (GRCh38, 1-based): chr3:179,401,261, C>T on the plus strand (G>A on the coding strand, the complement: GNB4 is on the minus strand). VCF-style: chr3-179401261-C-T. GRCh37 (hg19) VCF-style: chr3-179119049-C-T.
Other names: short protein forms M325I.
Identifiers: ClinVar variation 4980662 (VCV004980662.1).